The following is an entry in ClinVar:

ClinVar aggregate classification (germline): Pathogenic (1 of 4 stars; one submission).

Submission:

Labcorp Genetics (formerly Invitae), Labcorp
Classification: Pathogenic. Last evaluated: 2024-10-11. Review status: criteria provided, single submitter. Criteria: Invitae Variant Classification Sherloc (09022015). Collection method: clinical testing. Allele origin: germline.
Comment: This sequence change creates a premature translational stop signal (p.Trp150*) in the NOG gene. While this is not anticipated to result in nonsense mediated decay, it is expected to disrupt the last 83 amino acid(s) of the NOG protein. This variant is not present in population databases (gnomAD no frequency). This variant has not been reported in the literature in individuals affected with NOG-related conditions. This variant disrupts a region of the NOG protein in which other variant(s) (p.Trp217Gly) have been determined to be pathogenic (PMID: 10080184). This suggests that this is a clinically significant region of the protein, and that variants that disrupt it are likely to be disease-causing. For these reasons, this variant has been classified as Pathogenic.

Literature cited by the submitters: PubMed 10080184.

NM_005450.6(NOG):c.449G>A (p.Trp150Ter)

Gene: NOG (noggin; plus strand). Cytogenetic location: 17q22.
Variant type: single nucleotide variant.
Coding change: c.449G>A on transcript NM_005450.6 (MANE Select); coding-DNA position 449, G replaced by A.
Protein change: p.Trp150Ter; replaces tryptophan 150 with a stop codon.
Molecular consequence: nonsense.
Genome position (GRCh38, 1-based): chr17:56,594,672, G>A. VCF-style: chr17-56594672-G-A. GRCh37 (hg19) VCF-style: chr17-54672033-G-A.
Other names: short protein forms W150*.
Identifiers: ClinVar variation 3648554 (VCV003648554.2).